The following is an entry in ClinVar:

ClinVar aggregate classification (germline): Uncertain significance (1 of 4 stars; one submission).

Conditions:
Cardiovascular phenotype. Identifiers: MedGen CN230736.

Submission:

Ambry Genetics
Classification: Uncertain significance for Cardiovascular phenotype. Last evaluated: 2023-10-27. Review status: criteria provided, single submitter. Criteria: Ambry Variant Classification Scheme 2023. Collection method: clinical testing. Allele origin: germline.
Comment: The p.P182Q variant (also known as c.545C>A), located in coding exon 1 of the FOXE3 gene, results from a C to A substitution at nucleotide position 545. The proline at codon 182 is replaced by glutamine, an amino acid with similar properties. This amino acid position is conserved. In addition, this alteration is predicted to be tolerated by in silico analysis. Since supporting evidence is limited at this time, the clinical significance of this alteration remains unclear.

NM_012186.3(FOXE3):c.545C>A (p.Pro182Gln)

Genes: LINC01389 (long intergenic non-protein coding RNA 1389; minus strand), FOXE3 (forkhead box E3; plus strand). Cytogenetic location: 1p33.
Variant type: single nucleotide variant.
Coding change: c.545C>A on transcript NM_012186.3 (MANE Select); coding-DNA position 545, C replaced by A.
Protein change: p.Pro182Gln; replaces proline 182 with glutamine.
Molecular consequence: missense variant.
Genome position (GRCh38, 1-based): chr1:47,416,860, C>A. VCF-style: chr1-47416860-C-A. GRCh37 (hg19) VCF-style: chr1-47882532-C-A.
Other names: short protein forms P182Q.
Identifiers: ClinVar variation 3226211 (VCV003226211.1), dbSNP rs1188654054, ClinGen allele CA340250212.